The following is an entry in ClinVar:

ClinVar aggregate classification (germline): Uncertain significance (1 of 4 stars; one submission).

Allele frequency attached by ClinVar (database versions not stated): gnomAD exomes below 0.00001; gnomAD 0.00001; TOPMed 0.00002.
gnomAD v4.1: 6 of 1,613,246 alleles (0.00037%); highest among the groups gnomAD compares: African/African-American, 0.0013%; no homozygotes.

Submission:

CeGaT Center for Human Genetics Tuebingen
Classification: Uncertain significance. Last evaluated: 2022-06-01. Review status: criteria provided, single submitter. Criteria: CeGaT Center For Human Genetics Tuebingen Variant Classification Criteria Version 2. Collection method: clinical testing. Allele origin: germline. Affected: yes. Observed: 1 variant allele.
Comment: HDAC4: PM2

NM_001378414.1(HDAC4):c.436C>A (p.Gln146Lys)

Gene: HDAC4 (histone deacetylase 4; minus strand). Cytogenetic location: 2q37.3.
Variant type: single nucleotide variant.
Coding change: c.436C>A on transcript NM_001378414.1 (MANE Select); coding-DNA position 436, C replaced by A.
Protein change: p.Gln146Lys; replaces glutamine 146 with lysine.
Molecular consequence: missense variant.
Genome position (GRCh38, 1-based): chr2:239,176,467, G>T on the plus strand (C>A on the coding strand, the complement: HDAC4 is on the minus strand). VCF-style: chr2-239176467-G-T. GRCh37 (hg19) VCF-style: chr2-240098163-G-T.
Other names: c.436C>A, p.Gln146Lys (NM_001378415.1, NM_001378416.1, NM_001378417.1 and 1 more transcripts); short protein forms Q146K.
Identifiers: ClinVar variation 2652081 (VCV002652081.24), dbSNP rs978662663, ClinGen allele CA68041308.